The following is an entry in ClinVar:

NM_139076.3(ABRAXAS1):c.14G>A (p.Ser5Asn)

Genes: ABRAXAS1 (abraxas 1, BRCA1 A complex subunit; minus strand), LOC129992784 (ATAC-STARR-seq lymphoblastoid silent region 15542; plus strand). Cytogenetic location: 4q21.23.
Variant type: single nucleotide variant.
Coding change: c.14G>A on transcript NM_139076.3 (MANE Select); coding-DNA position 14, G replaced by A.
Protein change: p.Ser5Asn; replaces serine 5 with asparagine.
Molecular consequence: missense variant. On other transcripts: 5 prime UTR variant (1).
Genome position (GRCh38, 1-based): chr4:83,485,059, C>T on the plus strand (G>A on the coding strand, the complement: ABRAXAS1 is on the minus strand). VCF-style: chr4-83485059-C-T. GRCh37 (hg19) VCF-style: chr4-84406212-C-T.
Other names: c.-247G>A (NM_001345962.2); short protein forms S5N.
Identifiers: ClinVar variation 848439 (VCV000848439.10), dbSNP rs1359421507, ClinGen allele CA357264106.
Genomic context (GRCh38, chr4:83,485,059, plus strand): 5'-GTGTTGAGGTGCTGGAAAGCGAGTGCGCCGAGCACAAAGCCCGAGAGCACCGCCGACGTA[C>T]TCTCCCCCTCCATGCTACCGCCGCCTCAGGCTACACAAGAGGACGAGGGCGGGGCGCGCG-3'
Protein context (NP_620775.2, residues 1-15): MEGE[Ser5Asn]TSAVLSGFVL

ClinVar aggregate classification (germline): Uncertain significance (1 of 4 stars; one submission).

Submission:

Labcorp Genetics (formerly Invitae), Labcorp
Classification: Uncertain significance. Last evaluated: 2025-01-17. Review status: criteria provided, single submitter. Criteria: Invitae Variant Classification Sherloc (09022015). Collection method: clinical testing. Allele origin: germline.
Comment: This sequence change replaces serine, which is neutral and polar, with asparagine, which is neutral and polar, at codon 5 of the ABRAXAS1 protein (p.Ser5Asn). This variant is not present in population databases (gnomAD no frequency). This variant has not been reported in the literature in individuals affected with ABRAXAS1-related conditions. ClinVar contains an entry for this variant (Variation ID: 848439). An algorithm developed to predict the effect of missense changes on protein structure and function (PolyPhen-2) suggests that this variant is likely to be tolerated. In summary, the available evidence is currently insufficient to determine the role of this variant in disease. Therefore, it has been classified as a Variant of Uncertain Significance.